The following is an entry in ClinVar:

NM_000051.4(ATM):c.3660A>G (p.Glu1220=)

Gene: ATM (ATM serine/threonine kinase; plus strand). Cytogenetic location: 11q22.3.
Variant type: single nucleotide variant.
Coding change: c.3660A>G on transcript NM_000051.4 (MANE Select); coding-DNA position 3660, A replaced by G.
Protein change: p.Glu1220=; no amino-acid change (glutamic acid 1220 retained).
Molecular consequence: synonymous variant.
Genome position (GRCh38, 1-based): chr11:108,282,793, A>G. VCF-style: chr11-108282793-A-G. GRCh37 (hg19) VCF-style: chr11-108153520-A-G.
Other names: c.3660A>G, p.Glu1220= (NM_001351834.2).
Identifiers: ClinVar variation 234078 (VCV000234078.17), dbSNP rs876660835, ClinGen allele CA10579118.

ClinVar aggregate classification (germline): Benign/Likely benign. Review status: criteria provided, multiple submitters, no conflicts (2 of 4 stars). 4 submissions from 4 submitters: Benign (1); Likely benign (3). Last evaluated 2024-05-15.

Conditions:
Hereditary cancer-predisposing syndrome. Also called: Tumor predisposition; Hereditary Cancer Syndrome; Hereditary neoplastic syndrome; Neoplastic Syndromes, Hereditary. Identifiers: Orphanet 140162, MedGen C0027672, MeSH D009386, MONDO:0015356.
Familial cancer of breast. Also called: hereditary breast carcinoma; BREAST CANCER, FAMILIAL; Hereditary breast cancer. Identifiers: Orphanet 227535, MedGen C0346153, MONDO:0016419, OMIM 114480. Disease mechanism: loss of function.
Ataxia-telangiectasia syndrome (AT). Also called: Ataxia telangiectasia (A-T); LOUIS-BAR SYNDROME; Cerebello-oculocutaneous telangiectasia; Immunodeficiency with ataxia telangiectasia; ATAXIA-TELANGIECTASIA, COMPLEMENTATION GROUP A; ATAXIA-TELANGIECTASIA, FRESNO VARIANT. Identifiers: Orphanet 100, MedGen C0004135, MONDO:0008840, OMIM 208900.

Submissions (4):

Myriad Genetics, Inc.
Classification: Benign for Familial cancer of breast. Last evaluated: 2024-05-15. Review status: criteria provided, single submitter. Criteria: Myriad Autosomal Dominant, Autosomal Recessive and X-Linked Classification Criteria (2023). Collection method: clinical testing. Allele origin: unknown.
Comment: This variant is considered benign. This variant is a silent/synonymous amino acid change and it is not expected to impact splicing.

Labcorp Genetics (formerly Invitae), Labcorp
Classification: Likely benign for Ataxia-telangiectasia syndrome. Last evaluated: 2024-04-24. Review status: criteria provided, single submitter. Criteria: Invitae Variant Classification Sherloc (09022015). Collection method: clinical testing. Allele origin: germline.

Color Diagnostics, LLC DBA Color Health
Classification: Likely benign for Hereditary cancer-predisposing syndrome. Last evaluated: 2017-12-04. Review status: criteria provided, single submitter. Criteria: ACMG Guidelines, 2015. Collection method: clinical testing. Allele origin: germline.

Ambry Genetics
Classification: Likely benign for Hereditary cancer-predisposing syndrome. Last evaluated: 2015-09-27. Review status: criteria provided, single submitter. Criteria: Ambry Variant Classification Scheme 2023. Collection method: clinical testing. Allele origin: germline.